The following is an entry in ClinVar:

ClinVar aggregate classification (germline): Uncertain significance (1 of 4 stars; one submission).

Submission:

GeneDx
Classification: Uncertain significance. Last evaluated: 2023-01-06. Review status: criteria provided, single submitter. Criteria: GeneDx Variant Classification Process June 2021. Collection method: clinical testing. Allele origin: germline. Affected: yes.
Comment: Not observed at significant frequency in large population cohorts (gnomAD); In silico analysis supports that this missense variant has a deleterious effect on protein structure/function; Has not been previously published as pathogenic or benign to our knowledge

NM_000815.5(GABRD):c.958T>G (p.Phe320Val)

Gene: GABRD (gamma-aminobutyric acid type A receptor subunit delta; plus strand). Cytogenetic location: 1p36.33.
Variant type: single nucleotide variant.
Coding change: c.958T>G on transcript NM_000815.5 (MANE Select); coding-DNA position 958, T replaced by G.
Protein change: p.Phe320Val; replaces phenylalanine 320 with valine.
Molecular consequence: missense variant.
Genome position (GRCh38, 1-based): chr1:2,029,661, T>G. VCF-style: chr1-2029661-T-G. GRCh37 (hg19) VCF-style: chr1-1961100-T-G.
Other names: short protein forms F320V.
Identifiers: ClinVar variation 2571890 (VCV002571890.1), dbSNP rs2525646335, ClinGen allele CA337960129.